The following is an entry in ClinVar:

ClinVar aggregate classification (germline): Uncertain significance (1 of 4 stars; one submission).

Conditions:
Hereditary cancer-predisposing syndrome. Also called: Tumor predisposition; Neoplastic Syndromes, Hereditary; Hereditary Cancer Syndrome; Hereditary neoplastic syndrome. Identifiers: Orphanet 140162, MedGen C0027672, MeSH D009386, MONDO:0015356.

Submission:

Ambry Genetics
Classification: Uncertain significance for Hereditary cancer-predisposing syndrome. Last evaluated: 2022-01-19. Review status: criteria provided, single submitter. Criteria: Ambry Variant Classification Scheme 2023. Collection method: clinical testing. Allele origin: germline.
Comment: The p.K377Q variant (also known as c.1129A>C), located in coding exon 9 of the APC gene, results from an A to C substitution at nucleotide position 1129. The lysine at codon 377 is replaced by glutamine, an amino acid with similar properties. This amino acid position is conserved. In addition, in silico predictors for this gene do not accurately predict pathogenicity. Since supporting evidence is limited at this time, the clinical significance of this alteration remains unclear.

NM_000038.6(APC):c.1129A>C (p.Lys377Gln)

Gene: APC (APC regulator of Wnt signaling pathway; plus strand). Cytogenetic location: 5q22.2.
Variant type: single nucleotide variant.
Coding change: c.1129A>C on transcript NM_000038.6 (MANE Select); coding-DNA position 1129, A replaced by C.
Protein change: p.Lys377Gln; replaces lysine 377 with glutamine.
Molecular consequence: missense variant. On other transcripts: intron variant (4).
Genome position (GRCh38, 1-based): chr5:112,819,161, A>C. VCF-style: chr5-112819161-A-C. GRCh37 (hg19) VCF-style: chr5-112154858-A-C.
Other names: c.1129A>C, p.Lys377Gln (NM_001127510.3, NM_001354895.2, NM_001354896.2 and 4 more transcripts); c.1075A>C, p.Lys359Gln (NM_001127511.3); c.1159A>C, p.Lys387Gln (NM_001354897.2, NM_001407446.1); c.1054A>C, p.Lys352Gln (NM_001354898.2, NM_001407451.1); c.1045A>C, p.Lys349Gln (NM_001354899.2, NM_001407452.1); c.952A>C, p.Lys318Gln (NM_001354900.2, NM_001354901.2, NM_001407453.1); c.280A>C, p.Lys94Gln (NM_001354906.2, NM_001407470.1); c.964-108A>C (NM_001354902.2); and 3 more; short protein forms K349Q, K94Q, K359Q, K318Q, K352Q, K377Q, K387Q.
Identifiers: ClinVar variation 1727593 (VCV001727593.2), dbSNP rs2149781488, ClinGen allele CA16023778.